The following is an entry in ClinVar:

NM_031935.3(HMCN1):c.14546G>T (p.Gly4849Val)

Gene: HMCN1 (hemicentin 1; plus strand). Cytogenetic location: 1q31.1.
Variant type: single nucleotide variant.
Coding change: c.14546G>T on transcript NM_031935.3 (MANE Select); coding-DNA position 14546, G replaced by T.
Protein change: p.Gly4849Val; replaces glycine 4849 with valine.
Molecular consequence: missense variant.
Genome position (GRCh38, 1-based): chr1:186,145,861, G>T. VCF-style: chr1-186145861-G-T. GRCh37 (hg19) VCF-style: chr1-186114993-G-T.
Other names: short protein forms G4849V.
Identifiers: ClinVar variation 3678604 (VCV003678604.2).

ClinVar aggregate classification (germline): Uncertain significance (1 of 4 stars; one submission).

gnomAD v4.1: 1 of 1,614,048 alleles (0.000062%); highest among the groups gnomAD compares: Non-Finnish European, 0.000085%; no homozygotes.

Submission:

Labcorp Genetics (formerly Invitae), Labcorp
Classification: Uncertain significance. Last evaluated: 2024-11-02. Review status: criteria provided, single submitter. Criteria: Invitae Variant Classification Sherloc (09022015). Collection method: clinical testing. Allele origin: germline.
Comment: This sequence change replaces glycine, which is neutral and non-polar, with valine, which is neutral and non-polar, at codon 4849 of the HMCN1 protein (p.Gly4849Val). This variant is not present in population databases (gnomAD no frequency). This variant has not been reported in the literature in individuals affected with HMCN1-related conditions. An algorithm developed to predict the effect of missense changes on protein structure and function (PolyPhen-2) suggests that this variant is likely to be tolerated. In summary, the available evidence is currently insufficient to determine the role of this variant in disease. Therefore, it has been classified as a Variant of Uncertain Significance.